The following is an entry in ClinVar:

NM_024426.6(WT1):c.288C>T (p.Gly96=)

Genes: WT1 (WT1 transcription factor; minus strand), LOC107982234 (WT1/WT1-AS bi-directional promoter region; plus strand). Cytogenetic location: 11p13.
Variant type: single nucleotide variant.
Coding change: c.288C>T on transcript NM_024426.6 (MANE Select); coding-DNA position 288, C replaced by T.
Protein change: p.Gly96=; no amino-acid change (glycine 96 retained).
Molecular consequence: synonymous variant. On other transcripts: non-coding transcript variant (2).
Genome position (GRCh38, 1-based): chr11:32,435,073, G>A on the plus strand (C>T on the coding strand, the complement: WT1 is on the minus strand). VCF-style: chr11-32435073-G-A. GRCh37 (hg19) VCF-style: chr11-32456619-G-A.
Other names: c.288C>T, p.Gly96= (NM_000378.6, NM_001407044.1, NM_001407045.1 and 6 more transcripts); c.69C>T, p.Gly23= (NM_001429031.1, NM_001429032.1, NM_001429033.1 and 1 more transcripts); c.273C>T (NM_024426.4).
Identifiers: ClinVar variation 4084265 (VCV004084265.9).

ClinVar aggregate classification (germline): Likely benign. Review status: criteria provided, multiple submitters, no conflicts (2 of 4 stars). 2 submissions from 2 submitters: Likely benign (2). Last evaluated 2026-08-14.

Conditions:
Inborn genetic diseases. Identifiers: MedGen C0950123, MeSH D030342.

Submissions (2):

Ambry Genetics
Classification: Likely benign for Inborn genetic diseases. Last evaluated: 2026-08-14. Review status: criteria provided, single submitter. Criteria: Ambry Variant Classification Scheme 2023. Collection method: clinical testing. Allele origin: germline.

CeGaT Center for Human Genetics Tuebingen
Classification: Likely benign. Last evaluated: 2025-08-01. Review status: criteria provided, single submitter. Criteria: CeGaT Center For Human Genetics Tuebingen Variant Classification Criteria Version 2. Collection method: clinical testing. Allele origin: germline. Affected: yes. Observed: 1 variant allele.
Comment: WT1: PM2:Supporting, BP4, BP7